The following is an entry in ClinVar:

NM_015100.4(POGZ):c.1779G>C (p.Gln593His)

Gene: POGZ (pogo transposable element derived with ZNF domain; minus strand). Cytogenetic location: 1q21.3.
Variant type: single nucleotide variant.
Coding change: c.1779G>C on transcript NM_015100.4 (MANE Select); coding-DNA position 1779, G replaced by C.
Protein change: p.Gln593His; replaces glutamine 593 with histidine.
Molecular consequence: missense variant.
Genome position (GRCh38, 1-based): chr1:151,412,296, C>G on the plus strand (G>C on the coding strand, the complement: POGZ is on the minus strand). VCF-style: chr1-151412296-C-G. GRCh37 (hg19) VCF-style: chr1-151384772-C-G.
Other names: c.1752G>C, p.Gln584His (NM_001194937.2); c.1593G>C, p.Gln531His (NM_001194938.2); c.1800G>C, p.Gln600His (NM_001410860.1); c.1494G>C, p.Gln498His (NM_145796.4); c.1620G>C, p.Gln540His (NM_207171.2); short protein forms Q498H, Q531H, Q540H, Q584H, Q593H, Q600H.
Identifiers: ClinVar variation 1878940 (VCV001878940.1), dbSNP rs2529281136, ClinGen allele CA341964515.
Genomic context (GRCh38, chr1:151,412,296, plus strand): 5'-ATTCTTTGTATTCTTCCTGAGGGCAAAACTGCTAAAACTCCCTGGAGAAAAAGGCAATAC[C>G]TGGCAAACATAAGGCATCTCTCCAGGCTTATGAGTATCCTTCATATGCTGGAGAAATAGT-3'
Protein context (NP_055915.2, residues 583-603): HKPGEMPYVC[Gln593His]VCQYRSSLYS

ClinVar aggregate classification (germline): Pathogenic (1 of 4 stars; one submission).

Submission:

GeneDx
Classification: Pathogenic. Last evaluated: 2022-07-11. Review status: criteria provided, single submitter. Criteria: GeneDx Variant Classification Process June 2021. Collection method: clinical testing. Allele origin: germline. Affected: yes.
Comment: Variant in the last nucleotide in exon in a gene for which loss of function is a known mechanism of disease, and splice predictors support a deleterious effect; Not observed at significant frequency in large population cohorts (gnomAD); In silico analysis supports that this missense variant has a deleterious effect on protein structure/function; Has not been previously published as pathogenic or benign to our knowledge